The following is an entry in ClinVar:

ClinVar aggregate classification (germline): Uncertain significance (1 of 4 stars; one submission).

Allele frequency attached by ClinVar (database versions not stated): gnomAD exomes 0.00001.

Submission:

Labcorp Genetics (formerly Invitae), Labcorp
Classification: Uncertain significance. Last evaluated: 2022-07-05. Review status: criteria provided, single submitter. Criteria: Invitae Variant Classification Sherloc (09022015). Collection method: clinical testing. Allele origin: germline.
Comment: This sequence change replaces cysteine, which is neutral and slightly polar, with tyrosine, which is neutral and polar, at codon 43 of the SLC26A3 protein (p.Cys43Tyr). This variant is present in population databases (no rsID available, gnomAD 0.006%). This variant has not been reported in the literature in individuals affected with SLC26A3-related conditions. ClinVar contains an entry for this variant (Variation ID: 1483924). Advanced modeling of protein sequence and biophysical properties (such as structural, functional, and spatial information, amino acid conservation, physicochemical variation, residue mobility, and thermodynamic stability) performed at Invitae indicates that this missense variant is not expected to disrupt SLC26A3 protein function. In summary, the available evidence is currently insufficient to determine the role of this variant in disease. Therefore, it has been classified as a Variant of Uncertain Significance.

NM_000111.3(SLC26A3):c.128G>A (p.Cys43Tyr)

Gene: SLC26A3 (solute carrier family 26 member 3; minus strand). Cytogenetic location: 7q22.3.
Variant type: single nucleotide variant.
Coding change: c.128G>A on transcript NM_000111.3 (MANE Select); coding-DNA position 128, G replaced by A.
Protein change: p.Cys43Tyr; replaces cysteine 43 with tyrosine.
Molecular consequence: missense variant.
Genome position (GRCh38, 1-based): chr7:107,794,382, C>T on the plus strand (G>A on the coding strand, the complement: SLC26A3 is on the minus strand). VCF-style: chr7-107794382-C-T. GRCh37 (hg19) VCF-style: chr7-107434827-C-T.
Other names: short protein forms C43Y.
Identifiers: ClinVar variation 1483924 (VCV001483924.5), dbSNP rs1487921153, ClinGen allele CA368854367.